The following is an entry in ClinVar:

NM_001206999.2(CIT):c.298A>G (p.Arg100Gly)

Gene: CIT (citron rho-interacting serine/threonine kinase; minus strand). Cytogenetic location: 12q24.23.
Variant type: single nucleotide variant.
Coding change: c.298A>G on transcript NM_001206999.2 (MANE Select); coding-DNA position 298, A replaced by G.
Protein change: p.Arg100Gly; replaces arginine 100 with glycine.
Molecular consequence: missense variant.
Genome position (GRCh38, 1-based): chr12:119,857,639, T>C on the plus strand (A>G on the coding strand, the complement: CIT is on the minus strand). VCF-style: chr12-119857639-T-C. GRCh37 (hg19) VCF-style: chr12-120295443-T-C.
Other names: c.298A>G, p.Arg100Gly (NM_007174.3); short protein forms R100G.
Identifiers: ClinVar variation 3145148 (VCV003145148.2), dbSNP rs549689058, ClinGen allele CA6822460.

ClinVar aggregate classification (germline): Uncertain significance. Review status: criteria provided, multiple submitters, no conflicts (2 of 4 stars). 2 submissions from 2 submitters: Uncertain significance (2). Last evaluated 2023-12-04.

Conditions:
Inborn genetic diseases. Identifiers: MedGen C0950123, MeSH D030342.

Allele frequency attached by ClinVar (database versions not stated): TOPMed 0.00001; gnomAD 0.00002; gnomAD exomes 0.00007; ExAC 0.00015; 1000 Genomes Project 30x 0.00016; 1000 Genomes Project 0.00020.
gnomAD v4.1: 105 of 1,614,206 alleles (0.0065%); highest among the groups gnomAD compares: South Asian, 0.11%; no homozygotes.

Submissions (2):

GeneDx
Classification: Uncertain significance. Last evaluated: 2023-12-04. Review status: criteria provided, single submitter. Criteria: GeneDx Variant Classification Process June 2021. Collection method: clinical testing. Allele origin: germline. Affected: yes.
Comment: In silico analysis supports that this missense variant has a deleterious effect on protein structure/function; Has not been previously published as pathogenic or benign to our knowledge

Ambry Genetics
Classification: Uncertain significance for Inborn genetic diseases. Last evaluated: 2021-12-02. Review status: criteria provided, single submitter. Criteria: Ambry Variant Classification Scheme 2023. Collection method: clinical testing. Allele origin: germline.